The following is an entry in ClinVar:

NM_001103.4(ACTN2):c.2477A>T (p.Asp826Val)

Gene: ACTN2 (actinin alpha 2; plus strand). Cytogenetic location: 1q43.
Variant type: single nucleotide variant.
Coding change: c.2477A>T on transcript NM_001103.4 (MANE Select); coding-DNA position 2477, A replaced by T.
Protein change: p.Asp826Val; replaces aspartic acid 826 with valine.
Molecular consequence: missense variant.
Genome position (GRCh38, 1-based): chr1:236,761,124, A>T. VCF-style: chr1-236761124-A-T. GRCh37 (hg19) VCF-style: chr1-236924424-A-T.
Other names: c.2477A>T, p.Asp826Val (NM_001278343.2); c.1853A>T, p.Asp618Val (NM_001278344.2); short protein forms D826V, D618V.
Identifiers: ClinVar variation 839899 (VCV000839899.15), dbSNP rs372348405, ClinGen allele CA39746643.

ClinVar aggregate classification (germline): Conflicting classifications of pathogenicity. Review status: criteria provided, conflicting classifications (1 of 4 stars). 3 submissions from 3 submitters: Uncertain significance (2); Likely benign (1). Last evaluated 2026-09-30.

Conditions:
Primary familial hypertrophic cardiomyopathy (HCM). Identifiers: Orphanet 99739, MedGen C0949658, MeSH D024741, MONDO:0024573. Inheritance: Various modes of inheritance.
Dilated cardiomyopathy 1AA (CMD1AA). Also called: CARDIOMYOPATHY, DILATED, 1AA, WITH OR WITHOUT LEFT VENTRICULAR NONCOMPACTION; CARDIOMYOPATHY, FAMILIAL HYPERTROPHIC, 23, WITH OR WITHOUT LEFT VENTRICULAR NONCOMPACTION; Cardiomyopathy, dilated, 1AA, with or without LVNC. Identifiers: Orphanet 154, MedGen C2677338, MONDO:0012808, OMIM 612158.
Cardiovascular phenotype. Identifiers: MedGen CN230736.

Allele frequency attached by ClinVar (database versions not stated): ESP Exome Variant Server 0.00008; gnomAD 0.00001; TOPMed 0.00005; gnomAD exomes 0.00001.
gnomAD v4.1: 2 of 1,614,080 alleles (0.00012%); highest among the groups gnomAD compares: African/African-American, 0.0027%; no homozygotes.

Submissions (3):

GeneDx
Classification: Uncertain significance. Last evaluated: 2026-09-30. Review status: criteria provided, single submitter. Criteria: GeneDx Variant Classification Process June 2021. Collection method: clinical testing. Allele origin: germline.
Comment: Has not been previously published as pathogenic or benign to our knowledge; Not observed at significant frequency in large population cohorts (gnomAD); In silico analysis supports that this missense variant has a deleterious effect on protein structure/function

Labcorp Genetics (formerly Invitae), Labcorp
Classification: Likely benign for Primary familial hypertrophic cardiomyopathy; Dilated cardiomyopathy 1AA. Last evaluated: 2025-06-02. Review status: criteria provided, single submitter. Criteria: Invitae Variant Classification Sherloc (09022015). Collection method: clinical testing. Allele origin: germline.

Ambry Genetics
Classification: Uncertain significance for Cardiovascular phenotype. Last evaluated: 2023-02-25. Review status: criteria provided, single submitter. Criteria: Ambry Variant Classification Scheme 2023. Collection method: clinical testing. Allele origin: germline.
Comment: The p.D826V variant (also known as c.2477A>T), located in coding exon 20 of the ACTN2 gene, results from an A to T substitution at nucleotide position 2477. The aspartic acid at codon 826 is replaced by valine, an amino acid with highly dissimilar properties. This amino acid position is highly conserved in available vertebrate species. In addition, the in silico prediction for this alteration is inconclusive. Since supporting evidence is limited at this time, the clinical significance of this alteration remains unclear.